The following is an entry in ClinVar:

NM_207122.2(EXT2):c.835_839dup (p.Leu281fs)

Gene: EXT2 (exostosin glycosyltransferase 2; plus strand). Cytogenetic location: 11p11.2.
Variant type: Duplication.
Coding change: c.835_839dup on transcript NM_207122.2 (MANE Select); coding-DNA positions 835 to 839, 5 bases duplicated (TCAGT; older notation c.835_839dupTCAGT).
Protein change: p.Leu281fs; shifts the reading frame from leucine 281.
Molecular consequence: frameshift variant.
Genome position (GRCh38, 1-based): chr11:44,124,880-44,124,884, TCAGT duplicated. VCF-style (leftmost placement, unchanged base first): chr11-44124879-G-GTCAGT. GRCh37 (hg19) VCF-style: chr11-44146429-G-GTCAGT.
Other names: c.934_938dup, p.Leu314fs (NM_000401.3); c.835_839dup, p.Leu281fs (NM_001178083.3, NM_001389628.1, NM_001389630.1); short protein forms L314fs, L281fs.
Identifiers: ClinVar variation 3728165 (VCV003728165.2).

ClinVar aggregate classification (germline): Pathogenic (1 of 4 stars; one submission).

Conditions:
Exostoses, multiple, type 2 (EXT2). Also called: Hereditary Multiple Osteochondromatosis, Type II; EXOSTOSES, MULTIPLE, TYPE II. Identifiers: Orphanet 321, MedGen C1851413, MONDO:0007586, OMIM 133701.

Submission:

Labcorp Genetics (formerly Invitae), Labcorp
Classification: Pathogenic for Exostoses, multiple, type 2. Last evaluated: 2024-12-27. Review status: criteria provided, single submitter. Criteria: Invitae Variant Classification Sherloc (09022015). Collection method: clinical testing. Allele origin: germline.
Comment: This sequence change creates a premature translational stop signal (p.Leu281Glnfs*3) in the EXT2 gene. It is expected to result in an absent or disrupted protein product. Loss-of-function variants in EXT2 are known to be pathogenic (PMID: 10679937, 19810120). This variant is not present in population databases (gnomAD no frequency). This variant has not been reported in the literature in individuals affected with EXT2-related conditions. For these reasons, this variant has been classified as Pathogenic.

Literature cited by the submitters: PubMed 10679937; PubMed 19810120.